The following is an entry in ClinVar:

ClinVar aggregate classification (germline): Uncertain significance (1 of 4 stars; one submission).

Conditions:
Hereditary cancer-predisposing syndrome. Also called: Tumor predisposition; Hereditary neoplastic syndrome; Hereditary Cancer Syndrome; Neoplastic Syndromes, Hereditary. Identifiers: Orphanet 140162, MedGen C0027672, MeSH D009386, MONDO:0015356.

Submission:

Ambry Genetics
Classification: Uncertain significance for Hereditary cancer-predisposing syndrome. Last evaluated: 2023-09-29. Review status: criteria provided, single submitter. Criteria: Ambry Variant Classification Scheme 2023. Collection method: clinical testing. Allele origin: germline.
Comment: The p.L226H variant (also known as c.677T>A), located in coding exon 5 of the POLD1 gene, results from a T to A substitution at nucleotide position 677. The leucine at codon 226 is replaced by histidine, an amino acid with similar properties. This amino acid position is conserved. In addition, the in silico prediction for this alteration is inconclusive. Since supporting evidence is limited at this time, the clinical significance of this alteration remains unclear.

NM_002691.4(POLD1):c.677T>A (p.Leu226His)

Gene: POLD1 (DNA polymerase delta 1, catalytic subunit; plus strand). Cytogenetic location: 19q13.33.
Variant type: single nucleotide variant.
Coding change: c.677T>A on transcript NM_002691.4 (MANE Select); coding-DNA position 677, T replaced by A.
Protein change: p.Leu226His; replaces leucine 226 with histidine.
Molecular consequence: missense variant. On other transcripts: non-coding transcript variant (1).
Genome position (GRCh38, 1-based): chr19:50,402,292, T>A. VCF-style: chr19-50402292-T-A. GRCh37 (hg19) VCF-style: chr19-50905549-T-A.
Other names: c.677T>A, p.Leu226His (NM_001256849.1, NM_001308632.1); short protein forms L226H.
Identifiers: ClinVar variation 3222745 (VCV003222745.1), dbSNP rs2513963794, ClinGen allele CA406974307.